The following is an entry in ClinVar:

ClinVar aggregate classification (germline): Uncertain significance. Review status: criteria provided, multiple submitters, no conflicts (2 of 4 stars). 2 submissions from 2 submitters: Uncertain significance (2). Last evaluated 2022-01-02.

Conditions:
Mucopolysaccharidosis type 1. Also called: IDUA deficiency; MPS I. Identifiers: Orphanet 579, MedGen C0023786, MONDO:0001586.

Allele frequency attached by ClinVar (database versions not stated): gnomAD exomes 0.00001; ExAC 0.00006.

Submissions (2):

Labcorp Genetics (formerly Invitae), Labcorp
Classification: Uncertain significance for Mucopolysaccharidosis type 1. Last evaluated: 2022-01-02. Review status: criteria provided, single submitter. Criteria: Invitae Variant Classification Sherloc (09022015). Collection method: clinical testing. Allele origin: germline.
Comment: This sequence change replaces phenylalanine, which is neutral and non-polar, with leucine, which is neutral and non-polar, at codon 495 of the IDUA protein (p.Phe495Leu). The frequency data for this variant in the population databases is considered unreliable, as metrics indicate poor data quality at this position in the gnomAD database. This variant has not been reported in the literature in individuals affected with IDUA-related conditions. Advanced modeling of protein sequence and biophysical properties (such as structural, functional, and spatial information, amino acid conservation, physicochemical variation, residue mobility, and thermodynamic stability) performed at Invitae indicates that this missense variant is expected to disrupt IDUA protein function. In summary, the available evidence is currently insufficient to determine the role of this variant in disease. Therefore, it has been classified as a Variant of Uncertain Significance.

Revvity Omics, Revvity
Classification: Uncertain significance. Last evaluated: 2021-09-07. Review status: criteria provided, single submitter. Criteria: ACMG Guidelines, 2015. Collection method: clinical testing. Allele origin: germline.

NM_000203.5(IDUA):c.1485C>A (p.Phe495Leu)

Gene: IDUA (alpha-L-iduronidase; plus strand). Cytogenetic location: 4p16.3.
Variant type: single nucleotide variant.
Coding change: c.1485C>A on transcript NM_000203.5 (MANE Select); coding-DNA position 1485, C replaced by A.
Protein change: p.Phe495Leu; replaces phenylalanine 495 with leucine.
Molecular consequence: missense variant. On other transcripts: non-coding transcript variant (1).
Genome position (GRCh38, 1-based): chr4:1,003,118, C>A. VCF-style: chr4-1003118-C-A. GRCh37 (hg19) VCF-style: chr4-996906-C-A.
Other names: c.1089C>A, p.Phe363Leu (NM_001363576.1); short protein forms F363L, F495L.
Identifiers: ClinVar variation 2158003 (VCV002158003.4), dbSNP rs746018077, ClinGen allele CA2802274.